The following is an entry in ClinVar:

NM_022114.4(PRDM16):c.2406G>A (p.Pro802=)

Gene: PRDM16 (PR/SET domain 16; plus strand). Cytogenetic location: 1p36.32.
Variant type: single nucleotide variant.
Coding change: c.2406G>A on transcript NM_022114.4 (MANE Select); coding-DNA position 2406, G replaced by A.
Protein change: p.Pro802=; no amino-acid change (proline 802 retained).
Molecular consequence: synonymous variant.
Genome position (GRCh38, 1-based): chr1:3,412,603, G>A. VCF-style: chr1-3412603-G-A. GRCh37 (hg19) VCF-style: chr1-3329167-G-A.
Other names: c.2406G>A, p.Pro802= (NM_199454.3).
Identifiers: ClinVar variation 390010 (VCV000390010.47), dbSNP rs368750536, ClinGen allele CA544468.

ClinVar aggregate classification (germline): Benign/Likely benign. Review status: criteria provided, multiple submitters, no conflicts (2 of 4 stars). 9 submissions from 9 submitters: Benign (2); Likely benign (3). 4 of the submissions do not count toward it. Last evaluated 2026-01-21.

Conditions:
PRDM16-related disorder. Also called: PRDM16-related condition.
Left ventricular noncompaction 8 (LVNC8). Identifiers: Orphanet 154, Orphanet 54260, MedGen C3809288, MONDO:0014152, OMIM 615373.

Allele frequency attached by ClinVar (database versions not stated): ESP Exome Variant Server 0.00028; 1000 Genomes Project 30x 0.00031; 1000 Genomes Project 0.00040; gnomAD exomes 0.00050 and 0.00095; gnomAD 0.00062 and 0.00063; ExAC 0.00064; TOPMed 0.00073.
gnomAD v4.1: 1,458 of 1,597,380 alleles (0.091%); highest among the groups gnomAD compares: Non-Finnish European, 0.11%; no homozygotes.

Submissions (9):

Labcorp Genetics (formerly Invitae), Labcorp
Classification: Benign for Left ventricular noncompaction 8. Last evaluated: 2026-01-21. Review status: criteria provided, single submitter. Criteria: Invitae Variant Classification Sherloc (09022015). Collection method: clinical testing. Allele origin: germline.

Blueprint Genetics
Classification: Likely benign. Last evaluated: 2024-11-12. Review status: criteria provided, single submitter. Criteria: ACMG Guidelines, 2015. Collection method: clinical testing. Allele origin: germline.

Women's Health and Genetics/Laboratory Corporation of America, LabCorp
Classification: Benign. Last evaluated: 2023-08-19. Review status: criteria provided, single submitter. Criteria: LabCorp Variant Classification Summary - May 2015. Collection method: clinical testing. Allele origin: germline.

CeGaT Center for Human Genetics Tuebingen
Classification: Likely benign. Last evaluated: 2022-03-01. Review status: criteria provided, single submitter. Criteria: CeGaT Center For Human Genetics Tuebingen Variant Classification Criteria Version 2. Collection method: clinical testing. Allele origin: germline. Affected: yes. Observed: 1 variant allele.
Comment: PRDM16: BP4, BP7

GeneDx
Classification: Likely benign. Last evaluated: 2020-10-05. Review status: criteria provided, single submitter. Criteria: GeneDx Variant Classification Process June 2021. Collection method: clinical testing. Allele origin: germline. Affected: yes.

PreventionGenetics, part of Exact Sciences
Classification: Likely benign for PRDM16-related condition. Last evaluated: 2019-03-14. Review status: no assertion criteria provided. Collection method: clinical testing. Allele origin: germline. Not counted in ClinVar's aggregate classification.
Comment: This variant is classified as likely benign based on ACMG/AMP sequence variant interpretation guidelines (Richards et al. 2015 PMID: 25741868, with internal and published modifications).

Clinical Genetics DNA and cytogenetics Diagnostics Lab, Erasmus MC, Erasmus Medical Center
Classification: Likely benign. Review status: no assertion criteria provided. Collection method: clinical testing. Allele origin: germline. Affected: yes. Study: VKGL Data-share Consensus. Not counted in ClinVar's aggregate classification.

Clinical Genetics, Academic Medical Center
Classification: Benign. Review status: no assertion criteria provided. Collection method: clinical testing. Allele origin: germline. Affected: yes. Study: VKGL Data-share Consensus. Not counted in ClinVar's aggregate classification.

Joint Genome Diagnostic Labs from Nijmegen and Maastricht, Radboudumc and MUMC+
Classification: Likely benign. Review status: no assertion criteria provided. Collection method: clinical testing. Allele origin: germline. Affected: yes. Study: VKGL Data-share Consensus. Not counted in ClinVar's aggregate classification.